The following is an entry in ClinVar:

ClinVar aggregate classification (germline): Uncertain significance (1 of 4 stars; one submission).

Submission:

GeneDx
Classification: Uncertain significance. Last evaluated: 2024-06-02. Review status: criteria provided, single submitter. Criteria: GeneDx Variant Classification Process June 2021. Collection method: clinical testing. Allele origin: germline. Affected: yes.
Comment: In silico analysis supports that this missense variant has a deleterious effect on protein structure/function; Has not been previously published as pathogenic or benign to our knowledge

NM_203486.3(DLL3):c.922C>T (p.Arg308Trp)

Gene: DLL3 (delta like canonical Notch ligand 3; plus strand). Cytogenetic location: 19q13.2.
Variant type: single nucleotide variant.
Coding change: c.922C>T on transcript NM_203486.3 (MANE Select); coding-DNA position 922, C replaced by T.
Protein change: p.Arg308Trp; replaces arginine 308 with tryptophan.
Molecular consequence: missense variant.
Genome position (GRCh38, 1-based): chr19:39,505,280, C>T. VCF-style: chr19-39505280-C-T. GRCh37 (hg19) VCF-style: chr19-39995920-C-T.
Other names: c.922C>T, p.Arg308Trp (NM_016941.4); short protein forms R308W.
Identifiers: ClinVar variation 3383821 (VCV003383821.1).